The following is an entry in ClinVar:

ClinVar aggregate classification (germline): Uncertain significance. Review status: criteria provided, multiple submitters, no conflicts (2 of 4 stars). 2 submissions from 2 submitters: Uncertain significance (2). Last evaluated 2025-06-19.

Conditions:
Baller-Gerold syndrome (BGS). Also called: CRANIOSYNOSTOSIS WITH RADIAL DEFECTS. Identifiers: Orphanet 1225, MedGen C0265308, MONDO:0009039, OMIM 218600.
Inborn genetic diseases. Identifiers: MedGen C0950123, MeSH D030342.

Allele frequency attached by ClinVar (database versions not stated): gnomAD exomes below 0.00001.
gnomAD v4.1: 1 of 1,609,424 alleles (0.000062%); highest among the groups gnomAD compares: South Asian, 0.0011%; no homozygotes.

Submissions (2):

Ambry Genetics
Classification: Uncertain significance for Inborn genetic diseases. Last evaluated: 2025-06-19. Review status: criteria provided, single submitter. Criteria: Ambry Variant Classification Scheme 2023. Collection method: clinical testing. Allele origin: germline.
Comment: The p.V585A variant (also known as c.1754T>C), located in coding exon 11 of the RECQL4 gene, results from a T to C substitution at nucleotide position 1754. The valine at codon 585 is replaced by alanine, an amino acid with similar properties. This amino acid position is conserved. In addition, this alteration is predicted to be tolerated by in silico analysis. Based on the available evidence, the clinical significance of this variant remains unclear.

Labcorp Genetics (formerly Invitae), Labcorp
Classification: Uncertain significance for Baller-Gerold syndrome. Last evaluated: 2023-05-25. Review status: criteria provided, single submitter. Criteria: Invitae Variant Classification Sherloc (09022015). Collection method: clinical testing. Allele origin: germline.
Comment: Advanced modeling of protein sequence and biophysical properties (such as structural, functional, and spatial information, amino acid conservation, physicochemical variation, residue mobility, and thermodynamic stability) performed at Invitae indicates that this missense variant is not expected to disrupt RECQL4 protein function. In summary, the available evidence is currently insufficient to determine the role of this variant in disease. Therefore, it has been classified as a Variant of Uncertain Significance. ClinVar contains an entry for this variant (Variation ID: 1403407). This sequence change replaces valine, which is neutral and non-polar, with alanine, which is neutral and non-polar, at codon 585 of the RECQL4 protein (p.Val585Ala). This variant is present in population databases (no rsID available, gnomAD 0.003%). This variant has not been reported in the literature in individuals affected with RECQL4-related conditions.

NM_004260.4(RECQL4):c.1754T>C (p.Val585Ala)

Gene: RECQL4 (RecQ like helicase 4; minus strand). Cytogenetic location: 8q24.3.
Variant type: single nucleotide variant.
Coding change: c.1754T>C on transcript NM_004260.4 (MANE Select); coding-DNA position 1754, T replaced by C.
Protein change: p.Val585Ala; replaces valine 585 with alanine.
Molecular consequence: missense variant.
Genome position (GRCh38, 1-based): chr8:144,514,313, A>G on the plus strand (T>C on the coding strand, the complement: RECQL4 is on the minus strand). VCF-style: chr8-144514313-A-G. GRCh37 (hg19) VCF-style: chr8-145739697-A-G.
Other names: c.1754T>C (NM_004260.3); short protein forms V585A.
Identifiers: ClinVar variation 1403407 (VCV001403407.7), dbSNP rs927576418, ClinGen allele CA372681069.
Genomic context (GRCh38, chr8:144,514,313, plus strand): 5'-TCAATGCAGGCAAAAGCAACTGGAGGCAGCTGTGCGGCTGGAGGGAGGCCTCCCGCCCCC[A>G]CCAGTGCCTCAGGTGTCAGCATCAGCACGTGTACCTGGGCTGCCCGAATCTGAAGGCAGC-3'
Protein context (NP_004251.4, residues 575-595): HVLMLTPEAL[Val585Ala]GAGGLPPAAQ